The following is an entry in ClinVar:

ClinVar aggregate classification (germline): Uncertain significance. Review status: criteria provided, multiple submitters, no conflicts (2 of 4 stars). 2 submissions from 2 submitters: Uncertain significance (2). Last evaluated 2021-08-19.

Allele frequency attached by ClinVar (database versions not stated): gnomAD exomes below 0.00001; TOPMed below 0.00001; ExAC 0.00001.
gnomAD v4.1: 1 of 1,614,174 alleles (0.000062%); highest among the groups gnomAD compares: Non-Finnish European, 0.000085%; no homozygotes.

Submissions (2):

Labcorp Genetics (formerly Invitae), Labcorp
Classification: Uncertain significance. Last evaluated: 2021-08-19. Review status: criteria provided, single submitter. Criteria: Invitae Variant Classification Sherloc (09022015). Collection method: clinical testing. Allele origin: germline.
Comment: Algorithms developed to predict the effect of missense changes on protein structure and function output the following: SIFT: "Deleterious"; PolyPhen-2: "Possibly Damaging"; Align-GVGD: "Class C0". The serine amino acid residue is found in multiple mammalian species, which suggests that this missense change does not adversely affect protein function. In summary, the available evidence is currently insufficient to determine the role of this variant in disease. Therefore, it has been classified as a Variant of Uncertain Significance. This variant has not been reported in the literature in individuals affected with VCAN-related conditions. This variant is present in population databases (rs754188104, ExAC 0.001%). This sequence change replaces proline with serine at codon 441 of the VCAN protein (p.Pro441Ser). The proline residue is highly conserved and there is a moderate physicochemical difference between proline and serine.

Blueprint Genetics
Classification: Uncertain significance. Last evaluated: 2020-04-21. Review status: criteria provided, single submitter. Criteria: ACMG Guidelines, 2015. Collection method: clinical testing. Allele origin: germline.

NM_004385.5(VCAN):c.1321C>T (p.Pro441Ser)

Gene: VCAN (versican; plus strand). Cytogenetic location: 5q14.3.
Variant type: single nucleotide variant.
Coding change: c.1321C>T on transcript NM_004385.5 (MANE Select); coding-DNA position 1321, C replaced by T.
Protein change: p.Pro441Ser; replaces proline 441 with serine.
Molecular consequence: missense variant. On other transcripts: intron variant (2).
Genome position (GRCh38, 1-based): chr5:83,519,627, C>T. VCF-style: chr5-83519627-C-T. GRCh37 (hg19) VCF-style: chr5-82815446-C-T.
Other names: c.1321C>T, p.Pro441Ser (NM_001164098.2); c.1042+7231C>T (NM_001164097.2, NM_001126336.3); short protein forms P441S.
Identifiers: ClinVar variation 1376195 (VCV001376195.7), dbSNP rs754188104, ClinGen allele CA3332649.